The following is an entry in ClinVar:

NM_182961.4(SYNE1):c.9016C>G (p.Leu3006Val)

Gene: SYNE1 (spectrin repeat containing nuclear envelope protein 1; minus strand). Cytogenetic location: 6q25.2.
Variant type: single nucleotide variant.
Coding change: c.9016C>G on transcript NM_182961.4 (MANE Select); coding-DNA position 9016, C replaced by G.
Protein change: p.Leu3006Val; replaces leucine 3006 with valine.
Molecular consequence: missense variant.
Genome position (GRCh38, 1-based): chr6:152,376,906, G>C on the plus strand (C>G on the coding strand, the complement: SYNE1 is on the minus strand). VCF-style: chr6-152376906-G-C. GRCh37 (hg19) VCF-style: chr6-152698041-G-C.
Other names: c.9037C>G, p.Leu3013Val (NM_033071.5); short protein forms L3013V, L3006V.
Identifiers: ClinVar variation 2132907 (VCV002132907.4), dbSNP rs2491073617, ClinGen allele CA366142560.

ClinVar aggregate classification (germline): Uncertain significance (1 of 4 stars; one submission).

Conditions:
Autosomal recessive ataxia, Beauce type. Also called: SYNE1-Related Autosomal Recessive Cerebellar Ataxia; Spinocerebellar ataxia, autosomal recessive 8; ATAXIA, RECESSIVE, OF BEAUCE; SYNE1 Deficiency. Identifiers: Orphanet 88644, MedGen C1853116, MONDO:0012549, OMIM 610743.
Emery-Dreifuss muscular dystrophy 4, autosomal dominant (EDMD4). Also called: EMERY-DREIFUSS MUSCULAR DYSTROPHY 4 WITH VARIABLE FEATURES. Identifiers: Orphanet 261, MedGen C2751807, MONDO:0013071, OMIM 612998.

Submission:

Labcorp Genetics (formerly Invitae), Labcorp
Classification: Uncertain significance for Emery-Dreifuss muscular dystrophy 4, autosomal dominant; Autosomal recessive ataxia, Beauce type. Last evaluated: 2023-12-11. Review status: criteria provided, single submitter. Criteria: Invitae Variant Classification Sherloc (09022015). Collection method: clinical testing. Allele origin: germline.
Comment: This sequence change replaces leucine, which is neutral and non-polar, with valine, which is neutral and non-polar, at codon 3013 of the SYNE1 protein (p.Leu3013Val). This variant is not present in population databases (gnomAD no frequency). This variant has not been reported in the literature in individuals affected with SYNE1-related conditions. ClinVar contains an entry for this variant (Variation ID: 2132907). An algorithm developed to predict the effect of missense changes on protein structure and function (PolyPhen-2) suggests that this variant is likely to be disruptive. In summary, the available evidence is currently insufficient to determine the role of this variant in disease. Therefore, it has been classified as a Variant of Uncertain Significance.